The following is an entry in ClinVar:

NM_004287.5(GOSR2):c.563A>G (p.Gln188Arg)

Genes: GOSR2 (golgi SNAP receptor complex member 2; plus strand), LRRC37A2 (leucine rich repeat containing 37 member A2). Cytogenetic location: 17q21.32.
Variant type: single nucleotide variant.
Coding change: c.563A>G on transcript NM_004287.5 (MANE Select); coding-DNA position 563, A replaced by G.
Protein change: p.Gln188Arg; replaces glutamine 188 with arginine.
Molecular consequence: missense variant. On other transcripts: non-coding transcript variant (3).
Genome position (GRCh38, 1-based): chr17:46,938,684, A>G. VCF-style: chr17-46938684-A-G. GRCh37 (hg19) VCF-style: chr17-45016050-A-G.
Other names: c.563A>G, p.Gln188Arg (NM_001321133.2, NM_054022.4); c.368A>G, p.Gln123Arg (NM_001321134.2); c.422A>G, p.Gln141Arg (NM_001330252.2); c.560A>G, p.Gln187Arg (NM_001353114.2); c.419A>G, p.Gln140Arg (NM_001353115.2, NM_001353116.2); c.509A>G, p.Gln170Arg (NM_001363851.2); short protein forms Q170R, Q140R, Q188R, Q141R, Q123R, Q187R.
Identifiers: ClinVar variation 946504 (VCV000946504.10), dbSNP rs776748629, ClinGen allele CA8621356.

ClinVar aggregate classification (germline): Uncertain significance (1 of 4 stars; one submission).

Conditions:
Progressive myoclonic epilepsy. Also called: Myoclonic Epilepsies, Progressive; Familial progressive myoclonic epilepsy; Myoclonus epilepsy; Progressive myoclonus epilepsy. Identifiers: Orphanet 308, Orphanet 98261, MedGen C0751778, MONDO:0020074.

Allele frequency attached by ClinVar (database versions not stated): gnomAD exomes below 0.00001 and 0.00001; TOPMed below 0.00001; ExAC 0.00001; gnomAD 0.00002.
gnomAD v4.1: 5 of 1,613,466 alleles (0.00031%); highest among the groups gnomAD compares: Admixed American, 0.0083%; no homozygotes.

Submission:

Labcorp Genetics (formerly Invitae), Labcorp
Classification: Uncertain significance for Progressive myoclonic epilepsy. Last evaluated: 2022-08-21. Review status: criteria provided, single submitter. Criteria: Invitae Variant Classification Sherloc (09022015). Collection method: clinical testing. Allele origin: germline.
Comment: This variant is present in population databases (rs776748629, gnomAD 0.006%). In summary, the available evidence is currently insufficient to determine the role of this variant in disease. Therefore, it has been classified as a Variant of Uncertain Significance. Algorithms developed to predict the effect of missense changes on protein structure and function are either unavailable or do not agree on the potential impact of this missense change (SIFT: "Deleterious"; PolyPhen-2: "Benign"; Align-GVGD: "Class C0"). ClinVar contains an entry for this variant (Variation ID: 946504). This variant has not been reported in the literature in individuals affected with GOSR2-related conditions. This sequence change replaces glutamine, which is neutral and polar, with arginine, which is basic and polar, at codon 188 of the GOSR2 protein (p.Gln188Arg).